The following is an entry in ClinVar:

NM_001111125.3(IQSEC2):c.2384G>C (p.Arg795Pro)

Gene: IQSEC2 (IQ motif and Sec7 domain ArfGEF 2; minus strand). Cytogenetic location: Xp11.22.
Variant type: single nucleotide variant.
Coding change: c.2384G>C on transcript NM_001111125.3 (MANE Select); coding-DNA position 2384, G replaced by C.
Protein change: p.Arg795Pro; replaces arginine 795 with proline.
Molecular consequence: missense variant.
Genome position (GRCh38, 1-based): chrX:53,248,796, C>G on the plus strand (G>C on the coding strand, the complement: IQSEC2 is on the minus strand). VCF-style: chrX-53248796-C-G. GRCh37 (hg19) VCF-style: chrX-53277978-C-G.
Other names: c.2384G>C, p.Arg795Pro (NM_001410736.1); c.1769G>C, p.Arg590Pro (NM_015075.2); short protein forms R590P, R795P.
Identifiers: ClinVar variation 3251025 (VCV003251025.18), dbSNP rs2147089214.

ClinVar aggregate classification (germline): Uncertain significance (1 of 4 stars; one submission).

Submission:

CeGaT Center for Human Genetics Tuebingen
Classification: Uncertain significance. Last evaluated: 2024-06-01. Review status: criteria provided, single submitter. Criteria: CeGaT Center For Human Genetics Tuebingen Variant Classification Criteria Version 2. Collection method: clinical testing. Allele origin: germline. Affected: yes. Observed: 1 variant allele.
Comment: IQSEC2: PM2, PM5, PP2